The following is an entry in ClinVar:

ClinVar aggregate classification (germline): Uncertain significance. Review status: criteria provided, multiple submitters, no conflicts (2 of 4 stars). 2 submissions from 2 submitters: Uncertain significance (2). Last evaluated 2025-07-31.

Conditions:
CLTC-related disorder. Also called: CLTC-related condition.
Inborn genetic diseases. Identifiers: MedGen C0950123, MeSH D030342.

Allele frequency attached by ClinVar (database versions not stated): gnomAD exomes below 0.00001; TOPMed below 0.00001.
gnomAD v4.1: 4 of 1,611,184 alleles (0.00025%); highest among the groups gnomAD compares: African/African-American, 0.0013%; no homozygotes.

Submissions (2):

Ambry Genetics
Classification: Uncertain significance for Inborn genetic diseases. Last evaluated: 2025-07-31. Review status: criteria provided, single submitter. Criteria: Ambry Variant Classification Scheme 2023. Collection method: clinical testing. Allele origin: germline.

PreventionGenetics, part of Exact Sciences
Classification: Uncertain significance for CLTC-related condition. Last evaluated: 2022-11-15. Review status: criteria provided, single submitter. Criteria: ACMG Guidelines, 2015. Collection method: clinical testing. Allele origin: germline.
Comment: The CLTC c.1682A>G variant is predicted to result in the amino acid substitution p.Asn561Ser. To our knowledge, this variant has not been reported in the literature or in a large population database, indicating this variant is rare. At this time, the clinical significance of this variant is uncertain due to the absence of conclusive functional and genetic evidence.

NM_004859.4(CLTC):c.1670A>G (p.Asn557Ser)

Gene: CLTC (clathrin heavy chain; plus strand). Cytogenetic location: 17q23.1.
Variant type: single nucleotide variant.
Coding change: c.1670A>G on transcript NM_004859.4 (MANE Select); coding-DNA position 1670, A replaced by G.
Protein change: p.Asn557Ser; replaces asparagine 557 with serine.
Molecular consequence: missense variant.
Genome position (GRCh38, 1-based): chr17:59,666,128, A>G. VCF-style: chr17-59666128-A-G. GRCh37 (hg19) VCF-style: chr17-57743489-A-G.
Other names: c.1682A>G, p.Asn561Ser (NM_001288653.2); c.1670A>G (NM_004859.3); short protein forms N557S, N561S.
Identifiers: ClinVar variation 2635577 (VCV002635577.2), dbSNP rs2032725613, ClinGen allele CA400427333.